The following is an entry in ClinVar:

NM_015346.4(ZFYVE26):c.4288C>T (p.Leu1430Phe)

Gene: ZFYVE26 (zinc finger FYVE-type containing 26; minus strand). Cytogenetic location: 14q24.1.
Variant type: single nucleotide variant.
Coding change: c.4288C>T on transcript NM_015346.4 (MANE Select); coding-DNA position 4288, C replaced by T.
Protein change: p.Leu1430Phe; replaces leucine 1430 with phenylalanine.
Molecular consequence: missense variant.
Genome position (GRCh38, 1-based): chr14:67,782,864, G>A on the plus strand (C>T on the coding strand, the complement: ZFYVE26 is on the minus strand). VCF-style: chr14-67782864-G-A. GRCh37 (hg19) VCF-style: chr14-68249581-G-A.
Other names: short protein forms L1430F.
Identifiers: ClinVar variation 1920440 (VCV001920440.5), dbSNP rs1224971574, ClinGen allele CA390170256.

ClinVar aggregate classification (germline): Uncertain significance (1 of 4 stars; one submission).

Conditions:
Spastic paraplegia. Identifiers: MedGen C0037772, HP:0001258.

Submission:

Labcorp Genetics (formerly Invitae), Labcorp
Classification: Uncertain significance for Spastic paraplegia. Last evaluated: 2024-05-22. Review status: criteria provided, single submitter. Criteria: Invitae Variant Classification Sherloc (09022015). Collection method: clinical testing. Allele origin: germline.
Comment: This sequence change replaces leucine, which is neutral and non-polar, with phenylalanine, which is neutral and non-polar, at codon 1430 of the ZFYVE26 protein (p.Leu1430Phe). This variant is not present in population databases (gnomAD no frequency). This variant has not been reported in the literature in individuals affected with ZFYVE26-related conditions. ClinVar contains an entry for this variant (Variation ID: 1920440). An algorithm developed to predict the effect of missense changes on protein structure and function (PolyPhen-2) suggests that this variant is likely to be disruptive. In summary, the available evidence is currently insufficient to determine the role of this variant in disease. Therefore, it has been classified as a Variant of Uncertain Significance.